The following is an entry in ClinVar:

ClinVar aggregate classification (germline): Likely benign. Review status: criteria provided, multiple submitters, no conflicts (2 of 4 stars). 2 submissions from 2 submitters: Likely benign (2). Last evaluated 2022-06-20.

Conditions:
Hypertrophic cardiomyopathy 14. Identifiers: MedGen C2750467, MONDO:0013197, OMIM 613251.

Allele frequency attached by ClinVar (database versions not stated): TOPMed below 0.00001; ExAC 0.00001; gnomAD 0.00001; gnomAD exomes 0.00001 and 0.00002.
gnomAD v4.1: 29 of 1,613,760 alleles (0.0018%); highest among the groups gnomAD compares: African/African-American, 0.0027%; no homozygotes.

Submissions (2):

Labcorp Genetics (formerly Invitae), Labcorp
Classification: Likely benign for Hypertrophic cardiomyopathy 14. Last evaluated: 2022-06-20. Review status: criteria provided, single submitter. Criteria: Invitae Variant Classification Sherloc (09022015). Collection method: clinical testing. Allele origin: germline.

GeneDx
Classification: Likely benign. Last evaluated: 2018-04-09. Review status: criteria provided, single submitter. Criteria: GeneDx Variant Classification (06012015). Collection method: clinical testing. Allele origin: germline. Affected: yes.
Comment: This variant is considered likely benign or benign based on one or more of the following criteria: it is a conservative change, it occurs at a poorly conserved position in the protein, it is predicted to be benign by multiple in silico algorithms, and/or has population frequency not consistent with disease.

NM_002471.4(MYH6):c.5403G>A (p.Glu1801=)

Gene: MYH6 (myosin heavy chain 6; minus strand). Cytogenetic location: 14q11.2.
Variant type: single nucleotide variant.
Coding change: c.5403G>A on transcript NM_002471.4 (MANE Select); coding-DNA position 5403, G replaced by A.
Protein change: p.Glu1801=; no amino-acid change (glutamic acid 1801 retained).
Molecular consequence: synonymous variant.
Genome position (GRCh38, 1-based): chr14:23,384,604, C>T on the plus strand (G>A on the coding strand, the complement: MYH6 is on the minus strand). VCF-style: chr14-23384604-C-T. GRCh37 (hg19) VCF-style: chr14-23853813-C-T.
Identifiers: ClinVar variation 312844 (VCV000312844.9), dbSNP rs762151922, ClinGen allele CA7114440.